The following is an entry in ClinVar:

NM_003638.3(ITGA8):c.2274C>T (p.Phe758=)

Gene: ITGA8 (integrin subunit alpha 8; minus strand). Cytogenetic location: 10p13.
Variant type: single nucleotide variant.
Coding change: c.2274C>T on transcript NM_003638.3 (MANE Select); coding-DNA position 2274, C replaced by T.
Protein change: p.Phe758=; no amino-acid change (phenylalanine 758 retained).
Molecular consequence: synonymous variant.
Genome position (GRCh38, 1-based): chr10:15,592,242, G>A on the plus strand (C>T on the coding strand, the complement: ITGA8 is on the minus strand). VCF-style: chr10-15592242-G-A. GRCh37 (hg19) VCF-style: chr10-15634241-G-A.
Other names: c.2229C>T, p.Phe743= (NM_001291494.2).
Identifiers: ClinVar variation 3050019 (VCV003050019.2), dbSNP rs764265512, ClinGen allele CA5419913.

ClinVar aggregate classification (germline): Likely benign (0 of 4 stars; one submission).

Conditions:
ITGA8-related disorder. Also called: ITGA8-related condition.

Allele frequency attached by ClinVar (database versions not stated): gnomAD 0.00001; TOPMed 0.00001; ExAC 0.00002; gnomAD exomes 0.00004.
gnomAD v4.1: 66 of 1,613,262 alleles (0.0041%); highest among the groups gnomAD compares: Non-Finnish European, 0.0051%; no homozygotes.

Submission:

PreventionGenetics, part of Exact Sciences
Classification: Likely benign for ITGA8-related condition. Last evaluated: 2019-07-08. Review status: no assertion criteria provided. Collection method: clinical testing. Allele origin: germline.
Comment: This variant is classified as likely benign based on ACMG/AMP sequence variant interpretation guidelines (Richards et al. 2015 PMID: 25741868, with internal and published modifications).